The following is an entry in ClinVar:

ClinVar aggregate classification (germline): Pathogenic. Review status: criteria provided, multiple submitters, no conflicts (2 of 4 stars). 2 submissions from 2 submitters: Pathogenic (2). Last evaluated 2026-05-27.

Conditions:
Colorectal cancer, hereditary nonpolyposis, type 7. Identifiers: Orphanet 144, MedGen C1858380, MONDO:0013725, OMIM 614385.

Submissions (2):

Ambry Genetics
Classification: Pathogenic. Last evaluated: 2026-05-27. Review status: criteria provided, single submitter. Criteria: Ambry Variant Classification Scheme 2023. Collection method: clinical testing. Allele origin: germline.
Comment: The p.Q1360* pathogenic mutation (also known as c.4078C>T), located in coding exon 10 of the MLH3 gene, results from a C to T substitution at nucleotide position 4078. This changes the amino acid from a glutamine to a stop codon within coding exon 10. This variant is considered to be rare based on population cohorts in the Genome Aggregation Database (gnomAD). This alteration is expected to result in loss of function by premature protein truncation or nonsense-mediated mRNA decay. As such, this alteration is interpreted as a disease-causing mutation.

Myriad Genetics, Inc.
Classification: Pathogenic for Colorectal cancer, hereditary nonpolyposis, type 7. Last evaluated: 2026-05-26. Review status: criteria provided, single submitter. Criteria: Myriad Autosomal Dominant, Autosomal Recessive and X-Linked Classification Criteria (2023). Collection method: clinical testing. Allele origin: unknown.
Comment: This variant is considered pathogenic. This variant creates a termination codon and is predicted to result in premature protein truncation.

NM_001040108.2(MLH3):c.4078C>T (p.Gln1360Ter)

Gene: MLH3 (mutL homolog 3; minus strand). Cytogenetic location: 14q24.3.
Variant type: single nucleotide variant.
Coding change: c.4078C>T on transcript NM_001040108.2 (MANE Select); coding-DNA position 4078, C replaced by T.
Protein change: p.Gln1360Ter; replaces glutamine 1360 with a stop codon.
Molecular consequence: nonsense.
Genome position (GRCh38, 1-based): chr14:75,022,826, G>A on the plus strand (C>T on the coding strand, the complement: MLH3 is on the minus strand). VCF-style: chr14-75022826-G-A. GRCh37 (hg19) VCF-style: chr14-75489529-G-A.
Other names: c.4006C>T, p.Gln1336Ter (NM_014381.3); short protein forms Q1336*, Q1360*.
Identifiers: ClinVar variation 2448614 (VCV002448614.4), dbSNP rs1890377390, ClinGen allele CA390420660.